The following is an entry in ClinVar:

NM_001368809.2(AMPD2):c.439G>C (p.Gly147Arg)

Gene: AMPD2 (adenosine monophosphate deaminase 2; plus strand). Cytogenetic location: 1p13.3.
Variant type: single nucleotide variant.
Coding change: c.439G>C on transcript NM_001368809.2 (MANE Select); coding-DNA position 439, G replaced by C.
Protein change: p.Gly147Arg; replaces glycine 147 with arginine.
Molecular consequence: missense variant.
Genome position (GRCh38, 1-based): chr1:109,626,335, G>C. VCF-style: chr1-109626335-G-C. GRCh37 (hg19) VCF-style: chr1-110168957-G-C.
Other names: c.601G>C (NM_004037.6); c.601G>C, p.Gly201Arg (NM_001257360.2); c.247G>C, p.Gly83Arg (NM_001257361.2); c.376G>C, p.Gly126Arg (NM_001308170.1); c.439G>C, p.Gly147Arg (NM_004037.9); c.358G>C, p.Gly120Arg (NM_139156.4); short protein forms G120R, G201R, G126R, G147R, G83R.
Identifiers: ClinVar variation 1978039 (VCV001978039.6), dbSNP rs1264840897, ClinGen allele CA341555095.

ClinVar aggregate classification (germline): Uncertain significance. Review status: criteria provided, multiple submitters, no conflicts (2 of 4 stars). 2 submissions from 2 submitters: Uncertain significance (2). Last evaluated 2025-08-12.

Conditions:
Pontocerebellar hypoplasia type 9. Identifiers: Orphanet 369920, MedGen C4014354, MONDO:0014351, OMIM 615809.
Hereditary spastic paraplegia 63. Also called: Spastic paraplegia 63, autosomal recessive. Identifiers: Orphanet 401805, MedGen C3810295, MONDO:0014305, OMIM 615686.
Inborn genetic diseases. Identifiers: MedGen C0950123, MeSH D030342.

gnomAD v4.1: 1 of 1,613,430 alleles (0.000062%); highest among the groups gnomAD compares: Non-Finnish European, 0.000085%; no homozygotes.

Submissions (2):

Ambry Genetics
Classification: Uncertain significance for Inborn genetic diseases. Last evaluated: 2025-08-12. Review status: criteria provided, single submitter. Criteria: Ambry Variant Classification Scheme 2023. Collection method: clinical testing. Allele origin: germline.

Labcorp Genetics (formerly Invitae), Labcorp
Classification: Uncertain significance for Pontocerebellar hypoplasia type 9; Hereditary spastic paraplegia 63. Last evaluated: 2022-05-06. Review status: criteria provided, single submitter. Criteria: Invitae Variant Classification Sherloc (09022015). Collection method: clinical testing. Allele origin: germline.
Comment: In summary, the available evidence is currently insufficient to determine the role of this variant in disease. Therefore, it has been classified as a Variant of Uncertain Significance. Algorithms developed to predict the effect of missense changes on protein structure and function output the following: SIFT: "Tolerated"; PolyPhen-2: "Benign"; Align-GVGD: "Class C0". The arginine amino acid residue is found in multiple mammalian species, which suggests that this missense change does not adversely affect protein function. This variant has not been reported in the literature in individuals affected with AMPD2-related conditions. This variant is present in population databases (no rsID available, gnomAD 0.0009%). This sequence change replaces glycine, which is neutral and non-polar, with arginine, which is basic and polar, at codon 201 of the AMPD2 protein (p.Gly201Arg).